The following is an entry in ClinVar:

ClinVar aggregate classification (germline): Uncertain significance (1 of 4 stars; one submission).

Conditions:
Immunodeficiency. Identifiers: MedGen C0021051, MONDO:0021094, HP:0002721.

Allele frequency attached by ClinVar (database versions not stated): ExAC 0.00001; gnomAD 0.00001; TOPMed 0.00003.
gnomAD v4.1: 16 of 1,614,084 alleles (0.00099%); highest among the groups gnomAD compares: Admixed American, 0.013%; no homozygotes.

Submission:

Labcorp Genetics (formerly Invitae), Labcorp
Classification: Uncertain significance for Immunodeficiency. Last evaluated: 2025-07-21. Review status: criteria provided, single submitter. Criteria: Invitae Variant Classification Sherloc (09022015). Collection method: clinical testing. Allele origin: germline.
Comment: This sequence change replaces glutamine, which is neutral and polar, with glutamic acid, which is acidic and polar, at codon 925 of the NFAT5 protein (p.Gln925Glu). This variant is present in population databases (rs764119895, gnomAD 0.02%). This variant has not been reported in the literature in individuals affected with NFAT5-related conditions. ClinVar contains an entry for this variant (Variation ID: 1978294). An algorithm developed to predict the effect of missense changes on protein structure and function (PolyPhen-2) suggests that this variant is likely to be tolerated. In summary, the available evidence is currently insufficient to determine the role of this variant in disease. Therefore, it has been classified as a Variant of Uncertain Significance.

NM_138713.4(NFAT5):c.3055C>G (p.Gln1019Glu)

Gene: NFAT5 (nuclear factor of activated T cells 5; plus strand). Cytogenetic location: 16q22.1.
Variant type: single nucleotide variant.
Coding change: c.3055C>G on transcript NM_138713.4 (MANE Select); coding-DNA position 3055, C replaced by G.
Protein change: p.Gln1019Glu; replaces glutamine 1019 with glutamic acid.
Molecular consequence: missense variant.
Genome position (GRCh38, 1-based): chr16:69,692,880, C>G. VCF-style: chr16-69692880-C-G. GRCh37 (hg19) VCF-style: chr16-69726783-C-G.
Other names: c.3052C>G, p.Gln1018Glu (NM_001113178.3); c.2380C>G, p.Gln794Glu (NM_001367709.1); c.3001C>G, p.Gln1001Glu (NM_006599.4); c.2773C>G, p.Gln925Glu (NM_138714.4, NM_173214.3, NM_173215.3); short protein forms Q1019E, Q1018E, Q794E, Q1001E, Q925E.
Identifiers: ClinVar variation 1978294 (VCV001978294.4), dbSNP rs764119895, ClinGen allele CA8135841.